The following is an entry in ClinVar:

NC_012920.1(MT-TS2):m.12265A>G

Gene: MT-TS2 (mitochondrially encoded tRNA serine 2 (AGU/C); plus strand).
Variant type: single nucleotide variant.
Genome position: chrM-12265-A-G.
Identifiers: ClinVar variation 690179 (VCV000690179.1), dbSNP rs1603223643, ClinGen allele CA913169908.

ClinVar aggregate classification (germline): Likely benign (1 of 4 stars; one submission).

Conditions:
MELAS syndrome (MELAS). Also called: Juvenile myopathy, encephalopathy, lactic acidosis, stroke. Identifiers: Orphanet 550, MedGen C0162671, MONDO:0010789, OMIM 540000.

Submission:

Wong Mito Lab, Molecular and Human Genetics, Baylor College of Medicine
Classification: Likely benign for MELAS syndrome. Last evaluated: 2019-07-12. Review status: criteria provided, single submitter. Criteria: Modified ACMG Guidelines (Unpublished). Collection method: clinical testing. Allele origin: germline.
Comment: The NC_012920.1:m.12265A>G variant in MT-TS2 gene is interpreted to be a Likely Benign variant based on the modified ACMG guidelines (unpublished). This variant meets the following evidence codes reported in the guidelines: BP4, BP6

Literature cited by the submitters: PubMed 31965079.